The following is an entry in ClinVar:

ClinVar aggregate classification (germline): Likely benign. Review status: criteria provided, single submitter (1 of 4 stars). 2 submissions from 2 submitters: Likely benign (1). 1 of the submissions does not count toward it. Last evaluated 2025-09-17.

Conditions:
SQSTM1-related disorder. Also called: SQSTM1-Related Disorders.
Frontotemporal dementia and/or amyotrophic lateral sclerosis 1 (FTDALS1). Also called: Frontotemporal dementia with motor neuron disease 1; C9orf72 Frontotemporal Dementia and/or Amyotrophic Lateral Sclerosis. Identifiers: Orphanet 275872, MedGen C5779877, MONDO:0007105, OMIM 105550.
Paget disease of bone 2, early-onset (PDB2). Also called: Paget disease of bone 2. Identifiers: MedGen C4085251, MONDO:0011183, OMIM 602080.

Allele frequency attached by ClinVar (database versions not stated): gnomAD exomes 0.00006 and 0.00008; ExAC 0.00011; ESP Exome Variant Server 0.00015; 1000 Genomes Project 30x 0.00016; 1000 Genomes Project 0.00020; gnomAD 0.00032 and 0.00034; TOPMed 0.00043.
gnomAD v4.1: 134 of 1,614,110 alleles (0.0083%); highest among the groups gnomAD compares: African/African-American, 0.12%; no homozygotes.

Submissions (2):

Labcorp Genetics (formerly Invitae), Labcorp
Classification: Likely benign for Paget disease of bone 2, early-onset; Frontotemporal dementia and/or amyotrophic lateral sclerosis 1. Last evaluated: 2025-09-17. Review status: criteria provided, single submitter. Criteria: Invitae Variant Classification Sherloc (09022015). Collection method: clinical testing. Allele origin: germline.

PreventionGenetics, part of Exact Sciences
Classification: Likely benign for SQSTM1-related condition. Last evaluated: 2019-05-08. Review status: no assertion criteria provided. Collection method: clinical testing. Allele origin: germline. Not counted in ClinVar's aggregate classification.
Comment: This variant is classified as likely benign based on ACMG/AMP sequence variant interpretation guidelines (Richards et al. 2015 PMID: 25741868, with internal and published modifications).

NM_003900.5(SQSTM1):c.783C>T (p.His261=)

Gene: SQSTM1 (sequestosome 1; plus strand). Cytogenetic location: 5q35.3.
Variant type: single nucleotide variant.
Coding change: c.783C>T on transcript NM_003900.5 (MANE Select); coding-DNA position 783, C replaced by T.
Protein change: p.His261=; no amino-acid change (histidine 261 retained).
Molecular consequence: synonymous variant.
Genome position (GRCh38, 1-based): chr5:179,833,060, C>T. VCF-style: chr5-179833060-C-T. GRCh37 (hg19) VCF-style: chr5-179260060-C-T.
Other names: c.531C>T, p.His177= (NM_001142298.2, NM_001142299.2).
Identifiers: ClinVar variation 705602 (VCV000705602.13), dbSNP rs145001811, ClinGen allele CA3600678.